The following is an entry in ClinVar:

NM_003998.4(NFKB1):c.1143T>C (p.Ala381=)

Gene: NFKB1 (nuclear factor kappa B subunit 1; plus strand). Cytogenetic location: 4q24.
Variant type: single nucleotide variant.
Coding change: c.1143T>C on transcript NM_003998.4 (MANE Select); coding-DNA position 1143, T replaced by C.
Protein change: p.Ala381=; no amino-acid change (alanine 381 retained).
Molecular consequence: synonymous variant.
Genome position (GRCh38, 1-based): chr4:102,593,501, T>C. VCF-style: chr4-102593501-T-C. GRCh37 (hg19) VCF-style: chr4-103514658-T-C.
Other names: p.Ala381=; c.1140T>C, p.Ala380= (NM_001165412.2, NM_001319226.2, NM_001382627.1); c.1143T>C, p.Ala381= (NM_001382625.1, NM_001382626.1); c.1101T>C, p.Ala367= (NM_001382628.1).
Identifiers: ClinVar variation 1170076 (VCV001170076.17), dbSNP rs1609993, ClinGen allele CA3026076.

ClinVar aggregate classification (germline): Benign/Likely benign. Review status: criteria provided, multiple submitters, no conflicts (2 of 4 stars). 8 submissions from 8 submitters: Benign (7); Likely benign (1). Last evaluated 2026-02-04.

Conditions:
Immunodeficiency, common variable, 12 (CVID12). Also called: NFKB1 DEFICIENCY; IMMUNODEFICIENCY, COMMON VARIABLE, 12, WITH AUTOIMMUNITY. Identifiers: Orphanet 1572, Orphanet 696874, MedGen C4225277, MONDO:0014697, OMIM 616576.

Allele frequency attached by ClinVar (database versions not stated): ESP Exome Variant Server 0.94203; gnomAD 0.94257 and 0.94393; TOPMed 0.94330; 1000 Genomes Project 0.96985; 1000 Genomes Project 30x 0.97142.
gnomAD v4.1: 1,503,603 of 1,613,432 alleles (93%); highest among the groups gnomAD compares: East Asian, 100%; 701,115 homozygotes.

Submissions (8):

Labcorp Genetics (formerly Invitae), Labcorp
Classification: Benign. Last evaluated: 2026-02-04. Review status: criteria provided, single submitter. Criteria: Invitae Variant Classification Sherloc (09022015). Collection method: clinical testing. Allele origin: germline.

Women's Health and Genetics/Laboratory Corporation of America, LabCorp
Classification: Benign. Last evaluated: 2026-01-21. Review status: criteria provided, single submitter. Criteria: LabCorp Variant Classification Summary - May 2015. Collection method: clinical testing. Allele origin: germline.

Blueprint Genetics
Classification: Likely benign. Last evaluated: 2024-11-26. Review status: criteria provided, single submitter. Criteria: ACMG Guidelines, 2015. Collection method: clinical testing. Allele origin: germline.

Unidad de Genómica Garrahan, Hospital de Pediatría Garrahan
Classification: Benign. Last evaluated: 2023-11-12. Review status: criteria provided, single submitter. Criteria: ACMG Guidelines, 2015. Collection method: clinical testing. Allele origin: germline. Affected: no. Observed: 87 variant alleles.
Comment: This variant is classified as Benign based on local population frequency. This variant was detected in 91% of patients studied by a panel of primary immunodeficiencies. Number of patients: 87. Only high quality variants are reported.

Mayo Clinic Laboratories, Mayo Clinic
Classification: Benign. Last evaluated: 2022-09-06. Review status: criteria provided, single submitter. Criteria: ACMG Guidelines, 2015. Collection method: clinical testing. Allele origin: germline. Observed: 37 variant alleles.

Genome-Nilou Lab
Classification: Benign for Immunodeficiency, common variable, 12. Last evaluated: 2021-09-05. Review status: criteria provided, single submitter. Criteria: ACMG Guidelines, 2015. Collection method: clinical testing. Allele origin: germline. Affected: no.

GeneDx
Classification: Benign. Last evaluated: 2018-09-11. Review status: criteria provided, single submitter. Criteria: GeneDx Variant Classification Process June 2021. Collection method: clinical testing. Allele origin: germline. Affected: yes.

Breakthrough Genomics
Classification: Benign. Review status: criteria provided, single submitter. Criteria: ACMG Guidelines, 2015. Collection method: not provided. Allele origin: germline. Inheritance: Autosomal dominant inheritance. Affected: yes.